The following is an entry in ClinVar:

NM_018965.4(TREM2):c.690G>A (p.Thr230=)

Gene: TREM2 (triggering receptor expressed on myeloid cells 2; minus strand). Cytogenetic location: 6p21.1.
Variant type: single nucleotide variant.
Coding change: c.690G>A on transcript NM_018965.4 (MANE Select); coding-DNA position 690, G replaced by A.
Protein change: p.Thr230=; no amino-acid change (threonine 230 retained).
Molecular consequence: synonymous variant. On other transcripts: missense variant (1).
Genome position (GRCh38, 1-based): chr6:41,158,767, C>T on the plus strand (G>A on the coding strand, the complement: TREM2 is on the minus strand). VCF-style: chr6-41158767-C-T. GRCh37 (hg19) VCF-style: chr6-41126505-C-T.
Other names: c.496G>A (NM_001271821.1); c.496G>A, p.Val166Met (NM_001271821.2); short protein forms V166M.
Identifiers: ClinVar variation 356675 (VCV000356675.16), dbSNP rs199795809, ClinGen allele CA3798803.

ClinVar aggregate classification (germline): Conflicting classifications of pathogenicity. Review status: criteria provided, conflicting classifications (1 of 4 stars). 3 submissions from 3 submitters: Uncertain significance (1); Benign (1). 1 of the submissions does not count toward it. Last evaluated 2026-01-22.

Conditions:
TREM2-related disorder. Also called: TREM2-related condition.
Polycystic lipomembranous osteodysplasia with sclerosing leukoencephalopathy 2. Also called: TREM2-Related Polycystic Lipomembranous Osteodysplasia with Sclerosing Leukoencephalopathy. Identifiers: MedGen C4748657, MONDO:0020750, OMIM 618193.

Allele frequency attached by ClinVar (database versions not stated): TOPMed 0.00021; gnomAD exomes 0.00023 and 0.00005; ExAC 0.00023; gnomAD 0.00015; 1000 Genomes Project 0.00020; 1000 Genomes Project 30x 0.00031.
gnomAD v4.1: 91 of 1,614,222 alleles (0.0056%); highest among the groups gnomAD compares: East Asian, 0.11%; no homozygotes.

Submissions (3):

Labcorp Genetics (formerly Invitae), Labcorp
Classification: Benign. Last evaluated: 2026-01-22. Review status: criteria provided, single submitter. Criteria: Invitae Variant Classification Sherloc (09022015). Collection method: clinical testing. Allele origin: germline.

Illumina Laboratory Services, Illumina
Classification: Uncertain significance for Polycystic lipomembranous osteodysplasia with sclerosing leukoencephalopathy 2. Last evaluated: 2018-01-13. Review status: criteria provided, single submitter. Criteria: ICSL Variant Classification Criteria 13 December 2019. Collection method: clinical testing. Allele origin: germline.

PreventionGenetics, part of Exact Sciences
Classification: Likely benign for TREM2-related condition. Last evaluated: 2020-01-13. Review status: no assertion criteria provided. Collection method: clinical testing. Allele origin: germline. Not counted in ClinVar's aggregate classification.
Comment: This variant is classified as likely benign based on ACMG/AMP sequence variant interpretation guidelines (Richards et al. 2015 PMID: 25741868, with internal and published modifications).